The following is an entry in ClinVar:

NM_001111125.3(IQSEC2):c.3501+1G>A

Gene: IQSEC2 (IQ motif and Sec7 domain ArfGEF 2; minus strand). Cytogenetic location: Xp11.22.
Variant type: single nucleotide variant.
Coding change: c.3501+1G>A on transcript NM_001111125.3 (MANE Select); the canonical splice donor site of the intron after coding-DNA position 3501, G replaced by A.
Molecular consequence: splice donor variant. On other transcripts: intron variant (2).
Genome position (GRCh38, 1-based): chrX:53,235,782, C>T on the plus strand (G>A on the coding strand, the complement: IQSEC2 is on the minus strand). VCF-style: chrX-53235782-C-T. GRCh37 (hg19) VCF-style: chrX-53264964-C-T.
Other names: c.3451+540G>A (NM_001410736.1); c.2836+540G>A (NM_015075.2).
Identifiers: ClinVar variation 3646112 (VCV003646112.3).
Genomic context (GRCh38, chrX:53,235,782, plus strand): 5'-GGTCTCCATGGCCGGGGCAGGGCTCATGCAGAGGACGAGTGGGGCAGGAGCTGGCACTTA[C>T]TTCGATGGTGCTGTCCAGCGATCCCACGCTGTTACGCCGCCCCCGCTTCCCTGCACCCAC-3'

ClinVar aggregate classification (germline): Pathogenic (1 of 4 stars; one submission).

Conditions:
Intellectual developmental disorder, X-linked 1. Also called: Atkin Flaitz Patil Smith syndrome; MENTAL RETARDATION, X-LINKED 18; MENTAL RETARDATION, X-LINKED 78; Intellectual disability, X-linked 1. Identifiers: Orphanet 777, MedGen C2931498, MONDO:0010656, OMIM 309530.

Submissions (2):

Labcorp Genetics (formerly Invitae), Labcorp
Classification: Pathogenic for Intellectual developmental disorder, X-linked 1. Last evaluated: 2024-03-15. Review status: criteria provided, single submitter. Criteria: Invitae Variant Classification Sherloc (09022015). Collection method: clinical testing. Allele origin: germline.
Comment: This sequence change affects a donor splice site in intron 14 of the IQSEC2 gene. While this variant is not anticipated to result in nonsense mediated decay, it likely alters RNA splicing and results in a disrupted protein product. This variant is not present in population databases (gnomAD no frequency). This variant has not been reported in the literature in individuals affected with IQSEC2-related conditions. Variants that disrupt the consensus splice site are a relatively common cause of aberrant splicing (PMID: 17576681, 9536098). Algorithms developed to predict the effect of sequence changes on RNA splicing suggest that this variant may disrupt the consensus splice site. This variant disrupts a region of the IQSEC2 protein in which other variant(s) (p.Ala1347Glyfs*40) have been determined to be pathogenic (PMID: 27864847). This suggests that this is a clinically significant region of the protein, and that variants that disrupt it are likely to be disease-causing. For these reasons, this variant has been classified as Pathogenic.

Dr. Peter K. Rogan Lab, Western University
No classification provided (evidence only). Condition: Nonpapillary renal cell carcinoma. Review status: no classification provided. Collection method: in vitro. Allele origin: not applicable. Functional consequence: retained intron. Not counted in ClinVar's aggregate classification.

Literature cited by the submitters: PubMed 17576681 (cited by Labcorp Genetics (formerly Invitae), Labcorp); PubMed 9536098 (cited by Labcorp Genetics (formerly Invitae), Labcorp); PubMed 27864847 (cited by Labcorp Genetics (formerly Invitae), Labcorp).